The following is an entry in ClinVar:

ClinVar aggregate classification (germline): Uncertain significance (1 of 4 stars; one submission).

Conditions:
Inborn genetic diseases. Identifiers: MedGen C0950123, MeSH D030342.

Submission:

Ambry Genetics
Classification: Uncertain significance for Inborn genetic diseases. Last evaluated: 2025-07-16. Review status: criteria provided, single submitter. Criteria: Ambry Variant Classification Scheme 2023. Collection method: clinical testing. Allele origin: germline.
Comment: The p.F108L variant (also known as c.322T>C), located in coding exon 3 of the SBDS gene, results from a T to C substitution at nucleotide position 322. The phenylalanine at codon 108 is replaced by leucine, an amino acid with highly similar properties. This amino acid position is conserved. In addition, the in silico prediction for this alteration is inconclusive. Based on the available evidence, the clinical significance of this variant remains unclear.

NM_016038.4(SBDS):c.322T>C (p.Phe108Leu)

Gene: SBDS (SBDS ribosome maturation factor; minus strand). Cytogenetic location: 7q11.21.
Variant type: single nucleotide variant.
Coding change: c.322T>C on transcript NM_016038.4 (MANE Select); coding-DNA position 322, T replaced by C.
Protein change: p.Phe108Leu; replaces phenylalanine 108 with leucine.
Molecular consequence: missense variant.
Genome position (GRCh38, 1-based): chr7:66,993,354, A>G on the plus strand (T>C on the coding strand, the complement: SBDS is on the minus strand). VCF-style: chr7-66993354-A-G. GRCh37 (hg19) VCF-style: chr7-66458341-A-G.
Other names: short protein forms F108L.
Identifiers: ClinVar variation 4159808 (VCV004159808.1).